The following is an entry in ClinVar:

ClinVar aggregate classification (germline): Pathogenic (1 of 4 stars; one submission).

Conditions:
Inborn genetic diseases. Identifiers: MedGen C0950123, MeSH D030342.

Submission:

Ambry Genetics
Classification: Pathogenic for Inborn genetic diseases. Last evaluated: 2025-09-03. Review status: criteria provided, single submitter. Criteria: Ambry Variant Classification Scheme 2023. Collection method: clinical testing. Allele origin: germline.
Comment: The c.238dupT (p.S80Ffs*6) alteration, located in exon 3 (coding exon 3) of the DIP2C gene, consists of a duplication of T at position 238, causing a translational frameshift with a predicted alternate stop codon after 6 amino acids. This alteration is expected to result in loss of function by premature protein truncation or nonsense-mediated mRNA decay. This variant was not reported in population-based cohorts in the Genome Aggregation Database (gnomAD). Based on the available evidence, this alteration is classified as pathogenic.

NM_014974.3(DIP2C):c.238dup (p.Ser80fs)

Gene: DIP2C (disco interacting protein 2 homolog C; minus strand). Cytogenetic location: 10p15.3.
Variant type: Duplication.
Coding change: c.238dup on transcript NM_014974.3 (MANE Select); coding-DNA position 238, one base duplicated (T; older notation c.238dupT).
Protein change: p.Ser80fs; shifts the reading frame from serine 80.
Molecular consequence: frameshift variant.
Genome position (GRCh38, 1-based): chr10:472,469, A duplicated on the plus strand (T on the coding strand, the reverse complement: DIP2C is on the minus strand); the first of 2 consecutive A bases (chr10:472,469-472,470); duplicating either gives the same sequence. VCF-style (leftmost placement, unchanged base first): chr10-472468-G-GA. GRCh37 (hg19) VCF-style: chr10-518408-G-GA.
Other names: short protein forms S80fs.
Identifiers: ClinVar variation 4240675 (VCV004240675.1).